The following is an entry in ClinVar:

ClinVar aggregate classification (germline): Pathogenic. Review status: criteria provided, multiple submitters, no conflicts (2 of 4 stars). 6 submissions from 6 submitters: Pathogenic (5). 1 of the submissions does not count toward it. Last evaluated 2026-09-08.

Conditions:
Cardiovascular phenotype. Identifiers: MedGen CN230736.
Fabry disease. Also called: GLA DEFICIENCY; HEREDITARY DYSTOPIC LIPIDOSIS; Angiokeratoma corporis diffusum; Fabry's disease; ALPHA-GALACTOSIDASE A DEFICIENCY; ANDERSON-FABRY DISEASE. Identifiers: Orphanet 324, MedGen C0002986, MONDO:0010526, OMIM 301500, HP:0001071. Disease mechanism: Fabry disease is due to inactivating mutations in the X-linked GLA gene resulting in deficiency of the enzyme Alpha Galactosidase-A., loss of function.

Submissions (6):

Genomenon, Inc
Classification: Pathogenic for Fabry disease. Last evaluated: 2026-09-08. Review status: criteria provided, single submitter. Criteria: Genomenon Sequence Variant Interpretation Standards - Updated. Collection method: curation. Allele origin: germline. Affected: yes.
Comment: GLA p.Gly328Ala (c.983G>C) is a missense variant that changes the amino acid at codon 328 from Glycine to Alanine. This variant has been observed in at least one proband with clinical features consistent with Fabry disease (PMID:27657681;7504405;27834756;36140787;16595074). The variant was found to segregate with disease in at least one affected family (PMID:36140787). At least one functional study has demonstrated a substantial alteration in protein function relative to the wild-type (PMID:21598360). It is absent or not present at a significant frequency in gnomAD. In silico models predict that this variant is possibly or probably damaging. In conclusion, we classify GLA p.Gly328Ala (c.983G>C) as a pathogenic variant.

Ambry Genetics
Classification: Pathogenic for Cardiovascular phenotype. Last evaluated: 2026-07-30. Review status: criteria provided, single submitter. Criteria: Ambry Variant Classification Scheme 2023. Collection method: clinical testing. Allele origin: germline.
Comment: The p.G328A pathogenic mutation (also known as c.983G>C), located in coding exon 6 of the GLA gene, results from a G to C substitution at nucleotide position 983. The glycine at codon 328 is replaced by alanine, an amino acid with similar properties. This variant was reported in individual(s) with features consistent with Fabry disease (Eng CM et al. Am J Hum Genet, 1993 Dec;53:1186-97; Benjamin ER et al. J Inherit Metab Dis, 2009 Jun;32:424-40; Hughes DA et al. J Med Genet, 2017 Apr;54:288-296; Moiseev S et al. Genes (Basel), 2022 Sep;13; Savostyanov K et al. Genes (Basel), 2023 Oct;14; Ambry internal data). In assays testing GLA function, this variant showed functionally abnormal results (Wu X et al. Hum Mutat, 2011 Aug;32:965-77; Benjamin ER et al. Genet Med, 2017 Apr;19:430-438; Lukas J et al. Int J Mol Sci, 2020 Jan;21). This amino acid position is highly conserved in available vertebrate species. In addition, this alteration is predicted to be deleterious by in silico analysis. This variant is considered to be rare based on population cohorts in the Genome Aggregation Database (gnomAD). Based on the supporting evidence, this variant is interpreted as a disease-causing mutation.

Women's Health and Genetics/Laboratory Corporation of America, LabCorp
Classification: Pathogenic for Fabry disease. Last evaluated: 2025-09-04. Review status: criteria provided, single submitter. Criteria: LabCorp Variant Classification Summary - May 2015. Collection method: clinical testing. Allele origin: germline.
Comment: Variant summary: GLA c.983G>C (p.Gly328Ala) results in a non-conservative amino acid change in the encoded protein sequence. Algorithms developed to predict the effect of missense changes on protein structure and function all suggest that this variant is likely to be disruptive. The variant was absent in 183458 control chromosomes (gnomAD). c.983G>C has been observed in individuals affected with Fabry Disease (e.g., Eng_1993). Other variants affecting the same codon have been classified as likely pathogenic/pathogenic by our lab (e.g., c.982G>C, p.Gly328Arg), supporting the critical relevance of codon 328 to GLA protein function. Publications report experimental evidence evaluating an impact on protein function, showing that the variant results in <10% of normal enzymatic activity (e.g., Wu_2011, Lukas_2013). The following publications have been ascertained in the context of this evaluation (PMID: 7504405, 21598360, 23935525). ClinVar contains an entry for this variant (Variation ID: 10740). Based on the evidence outlined above, the variant was classified as pathogenic.

Labcorp Genetics (formerly Invitae), Labcorp
Classification: Pathogenic for Fabry disease. Last evaluated: 2024-03-07. Review status: criteria provided, single submitter. Criteria: Invitae Variant Classification Sherloc (09022015). Collection method: clinical testing. Allele origin: germline.
Comment: This sequence change replaces glycine, which is neutral and non-polar, with alanine, which is neutral and non-polar, at codon 328 of the GLA protein (p.Gly328Ala). This variant is not present in population databases (gnomAD no frequency). This missense change has been observed in individual(s) with Fabry disease (PMID: 7504405, 16595074, 27834756). ClinVar contains an entry for this variant (Variation ID: 10740). Advanced modeling of protein sequence and biophysical properties (such as structural, functional, and spatial information, amino acid conservation, physicochemical variation, residue mobility, and thermodynamic stability) performed at Invitae indicates that this missense variant is not expected to disrupt GLA protein function with a negative predictive value of 80%. Experimental studies have shown that this missense change affects GLA function (PMID: 21598360, 23935525). This variant disrupts the p.Gly328 amino acid residue in GLA. Other variant(s) that disrupt this residue have been observed in individuals with GLA-related conditions (PMID: 1315715, 15712228, 16595074), which suggests that this may be a clinically significant amino acid residue. For these reasons, this variant has been classified as Pathogenic.

Eurofins Ntd Llc (ga)
Classification: Pathogenic. Last evaluated: 2012-08-15. Review status: criteria provided, single submitter. Criteria: EGL Classification Definitions 2015. Collection method: clinical testing. Allele origin: germline. Observed: 2 variant alleles, 1 heterozygote, 1 hemizygote.

OMIM
Classification: Pathogenic for FABRY DISEASE. Last evaluated: 1993-12-01. Review status: no assertion criteria provided. Collection method: literature only. Allele origin: germline. Not counted in ClinVar's aggregate classification.

Literature cited by the submitters: PubMed 27657681 (cited by Genomenon, Inc and Ambry Genetics); PubMed 7504405 (cited by 6 submitters); PubMed 27834756 (cited by 3 submitters); PubMed 36140787 (cited by Genomenon, Inc and Ambry Genetics); PubMed 16595074 (cited by 3 submitters); PubMed 21598360 (cited by 4 submitters); PubMed 18698230 (cited by Ambry Genetics); PubMed 19387866 (cited by Ambry Genetics); PubMed 23935525 (cited by 3 submitters); PubMed 24386359 (cited by Ambry Genetics); PubMed 32023956 (cited by Ambry Genetics); PubMed 38002959 (cited by Ambry Genetics); PubMed 1315715 (cited by Labcorp Genetics (formerly Invitae), Labcorp); PubMed 15712228 (cited by Labcorp Genetics (formerly Invitae), Labcorp).

NM_000169.3(GLA):c.983G>C (p.Gly328Ala)

Genes: GLA (galactosidase alpha; minus strand), RPL36A-HNRNPH2 (RPL36A-HNRNPH2 readthrough; plus strand). Cytogenetic location: Xq22.1.
Variant type: single nucleotide variant.
Coding change: c.983G>C on transcript NM_000169.3 (MANE Select); coding-DNA position 983, G replaced by C.
Protein change: p.Gly328Ala; replaces glycine 328 with alanine.
Molecular consequence: missense variant. On other transcripts: non-coding transcript variant (3), intron variant (2).
Genome position (GRCh38, 1-based): chrX:101,398,386, C>G on the plus strand (G>C on the coding strand, the complement: GLA is on the minus strand). VCF-style: chrX-101398386-C-G. GRCh37 (hg19) VCF-style: chrX-100653374-C-G.
Other names: G328A; c.1106G>C, p.Gly369Ala (NM_001406747.1); c.983G>C, p.Gly328Ala (NM_001406748.1); c.300+2929C>G (NM_001199973.2); c.177+6564C>G (NM_001199974.2); short protein forms G369A.
Identifiers: ClinVar variation 10740 (VCV000010740.16), dbSNP rs28935492, ClinGen allele CA022267.